The following continues an entry in ClinVar:

NM_000535.7(PMS2):c.1239dup (p.Asp414fs)

Gene: PMS2. ClinVar aggregate classification (germline): Pathogenic. Pathogenic (17).

Submissions 10 to 19 of 19:

Quest Diagnostics Nichols Institute San Juan Capistrano
Classification: Pathogenic. Last evaluated: 2023-11-08. Review status: criteria provided, single submitter. Criteria: Quest Diagnostics criteria. Collection method: clinical testing. Allele origin: unknown.
Comment: The PMS2 c.1239dup (p.Asp414Argfs*44) variant alters the translational reading frame of the PMS2 mRNA and causes the premature termination of PMS2 protein synthesis. In the published literature, this variant has been reported in individuals with breast cancer (PMID: 37239058 (2023)), Lynch syndrome (PMIDs: 28874130 (2017), 26437257 (2015)), and CMMRD syndrome (PMID: 20205264 (2010)). The frequency of this variant in the general population, 0.000032 (1/31348 chromosomes (Genome Aggregation Database)), is consistent with pathogenicity. Based on the available information, this variant is classified as pathogenic.

Myriad Genetics, Inc.
Classification: Pathogenic for Lynch syndrome 4. Last evaluated: 2023-09-20. Review status: criteria provided, single submitter. Criteria: Myriad Autosomal Dominant, Autosomal Recessive and X-Linked Classification Criteria (2023). Collection method: clinical testing. Allele origin: unknown.
Comment: This variant is considered pathogenic. This variant creates a frameshift predicted to result in premature protein truncation.

Department of Pathology and Laboratory Medicine, Sinai Health System
Classification: Pathogenic for Mismatch repair cancer syndrome 4. Last evaluated: 2022-11-29. Review status: criteria provided, single submitter. Criteria: ACMG Guidelines, 2015. Collection method: clinical testing. Allele origin: germline. Affected: yes.

Baylor Genetics
Classification: Pathogenic for Lynch syndrome 4. Last evaluated: 2022-07-20. Review status: criteria provided, single submitter. Criteria: ACMG Guidelines, 2015. Collection method: clinical testing. Allele origin: unknown.

Institute of Medical Genetics and Applied Genomics, University Hospital Tübingen
Classification: Pathogenic. Last evaluated: 2020-10-23. Review status: criteria provided, single submitter. Criteria: ACMG Guidelines, 2015. Collection method: clinical testing. Allele origin: germline. Inheritance: Autosomal unknown. Affected: yes.

GeneKor MSA
Classification: Pathogenic for Hereditary cancer-predisposing syndrome. Last evaluated: 2020-01-01. Review status: criteria provided, single submitter. Criteria: ACMG Guidelines, 2015. Collection method: clinical testing. Allele origin: germline. Affected: yes.
Comment: This variant consists of 1 nucleotide insertion in exon 11 of the PMS2 mRNA (c.1239dupA), causing a frameshift at codon 414. Consequently, a premature stop codon is created 44 amino acid residues later. This is expected to result in an absent or disrupted protein product. Loss-of-function variants in PMS2 are known to be pathogenic. This variant has been described in the international literature (PMID: 26437257, PMID: 20205264). The mutation database ClinVar contains entries for this variant (Variation ID: 216072/).

GeneDx
Classification: Pathogenic. Last evaluated: 2018-11-06. Review status: criteria provided, single submitter. Criteria: GeneDx Variant Classification (06012015). Collection method: clinical testing. Allele origin: germline. Affected: yes.
Comment: This duplication of one nucleotide in PMS2 is denoted c.1239dupA at the cDNA level and p.Asp414ArgfsX44 (D414RfsX44) at the protein level. The normal sequence, with the base that is duplicated in brackets, is GAAAAAAA[dupA]GACG. The duplication causes a frameshift which changes an Aspartic Acid to an Arginine at codon 414, and creates a premature stop codon at position 44 of the new reading frame. This variant is predicted to cause loss of normal protein function through either protein truncation or nonsense-mediated mRNA decay. This variant was also observed in an individual with early-onset colon cancer and family history meeting Amsterdam Criteria I (Carneiro da Silva 2015). We consider this variant to be pathogenic.

Kasturba Medical College, Manipal, Kasturba Medical College, Manipal, Manipal Academy of Higher Education, Manipal, India
Classification: Pathogenic for Mismatch repair cancer syndrome 4. Review status: criteria provided, single submitter. Criteria: ACMG Guidelines, 2015. Collection method: research. Allele origin: biparental. Inheritance: Autosomal recessive inheritance. Affected: yes. Observed: 1 homozygote.
Comment: This variant was observed in seven individuals in the heterozygous state and absent in homozygous state in gnomAD (v4.1.0). This variant is absent in our in-house database of 3412 exomes. This variant results in premature stop codon which can either cause the transcript to undergo nonsense-mediated mRNA decay or lead to formation of a truncated protein product.

Gharavi Laboratory, Columbia University
Classification: Pathogenic. Last evaluated: 2018-09-16. Review status: no assertion criteria provided. Criteria: ACMG Guidelines, 2015. Collection method: research. Allele origin: germline. Affected: yes. Not counted in ClinVar's aggregate classification.

Mayo Clinic Laboratories, Mayo Clinic
Classification: Pathogenic. Review status: no assertion criteria provided. Collection method: clinical testing. Allele origin: unknown. Not counted in ClinVar's aggregate classification.

Literature cited by the submitters: PubMed 20205264 (cited by 8 submitters); PubMed 21376568 (cited by Labcorp Genetics (formerly Invitae), Labcorp); PubMed 24362816 (cited by Labcorp Genetics (formerly Invitae), Labcorp); PubMed 25691505 (cited by 4 submitters); PubMed 26437257 (cited by 7 submitters); PubMed 21261604 (cited by Color Diagnostics, LLC DBA Color Health and All of Us Research Program, National Institutes of Health); PubMed 37239058 (cited by Quest Diagnostics Nichols Institute San Juan Capistrano); PubMed 28874130 (cited by Quest Diagnostics Nichols Institute San Juan Capistrano); PubMed 30787465 (cited by Quest Diagnostics Nichols Institute San Juan Capistrano); PubMed 31159747 (cited by Quest Diagnostics Nichols Institute San Juan Capistrano).